The following is an entry in ClinVar:

ClinVar aggregate classification (germline): Benign. Review status: criteria provided, multiple submitters, no conflicts (2 of 4 stars). 7 submissions from 6 submitters: Benign (6). 1 of the submissions does not count toward it. Last evaluated 2022-05-05.

Conditions:
Meckel syndrome, type 6. Identifiers: Orphanet 564, MedGen C2676790, MONDO:0012848, OMIM 612284.
Joubert syndrome 9 (JBTS9). Identifiers: Orphanet 2318, MedGen C2676788, MONDO:0012849, OMIM 612285.

Allele frequency attached by ClinVar (database versions not stated): 1000 Genomes Project 30x 0.84775; TOPMed 0.84961; 1000 Genomes Project 0.85024; gnomAD 0.85108 and 0.85216; ESP Exome Variant Server 0.85647; ExAC 0.86020; gnomAD exomes 0.86044.
gnomAD v4.1: 1,388,215 of 1,601,896 alleles (87%); highest among the groups gnomAD compares: East Asian, 98%; 602,768 homozygotes.

Submissions (7):

Mayo Clinic Laboratories, Mayo Clinic
Classification: Benign. Last evaluated: 2022-05-05. Review status: criteria provided, single submitter. Criteria: ACMG Guidelines, 2015. Collection method: clinical testing. Allele origin: germline. Observed: 523 variant alleles.

Genome-Nilou Lab
Classification: Benign for Joubert syndrome 9. Last evaluated: 2021-07-14. Review status: criteria provided, single submitter. Criteria: ACMG Guidelines, 2015. Collection method: clinical testing. Allele origin: germline. Affected: no.

Genome-Nilou Lab
Classification: Benign for Meckel syndrome, type 6. Last evaluated: 2021-07-14. Review status: criteria provided, single submitter. Criteria: ACMG Guidelines, 2015. Collection method: clinical testing. Allele origin: germline. Affected: no.

GeneDx
Classification: Benign. Last evaluated: 2018-06-26. Review status: criteria provided, single submitter. Criteria: GeneDx Variant Classification Process June 2021. Collection method: clinical testing. Allele origin: germline. Affected: yes.

Breakthrough Genomics
Classification: Benign. Review status: criteria provided, single submitter. Criteria: ACMG Guidelines, 2015. Collection method: not provided. Allele origin: germline. Inheritance: Autosomal recessive inheritance. Affected: yes.

PreventionGenetics, part of Exact Sciences
Classification: Benign. Review status: criteria provided, single submitter. Criteria: ACMG Guidelines, 2015. Collection method: clinical testing. Allele origin: germline.

Genetic Services Laboratory, University of Chicago
Classification: Likely benign for AllHighlyPenetrant. Review status: no assertion criteria provided. Collection method: clinical testing. Allele origin: germline. Inheritance: Autosomal recessive inheritance. Observed: 349 variant alleles. Not counted in ClinVar's aggregate classification.
Comment: Likely benign based on allele frequency in 1000 Genomes Project or ESP global frequency and its presence in a patient with a rare or unrelated disease phenotype. NOT Sanger confirmed.

NM_001378615.1(CC2D2A):c.247+26A>G

Genes: CC2D2A (coiled-coil and C2 domain containing 2A; plus strand), FBXL5 (F-box and leucine rich repeat protein 5; minus strand). Cytogenetic location: 4p15.32.
Variant type: single nucleotide variant.
Coding change: c.247+26A>G on transcript NM_001378615.1 (MANE Select); 26 bases into the intron after coding-DNA position 247, A replaced by G.
Molecular consequence: intron variant.
Genome position (GRCh38, 1-based): chr4:15,480,853, A>G. VCF-style: chr4-15480853-A-G. GRCh37 (hg19) VCF-style: chr4-15482477-A-G.
Other names: p.?; c.247+26A>G (NM_001080522.2, NM_001164720.3); c.353+26A>G (NM_020785.2); c.100+26A>G (NM_001378617.1).
Identifiers: ClinVar variation 126233 (VCV000126233.13), dbSNP rs10000250, ClinGen allele CA150860.